The following is an entry in ClinVar:

NM_153460.4(IL17RC):c.398C>T (p.Pro133Leu)

Gene: IL17RC (interleukin 17 receptor C; plus strand). Cytogenetic location: 3p25.3.
Variant type: single nucleotide variant.
Coding change: c.398C>T on transcript NM_153460.4 (MANE Select); coding-DNA position 398, C replaced by T.
Protein change: p.Pro133Leu; replaces proline 133 with leucine.
Molecular consequence: missense variant. On other transcripts: non-coding transcript variant (1).
Genome position (GRCh38, 1-based): chr3:9,918,542, C>T. VCF-style: chr3-9918542-C-T. GRCh37 (hg19) VCF-style: chr3-9960226-C-T.
Other names: c.398C>T, p.Pro133Leu (NM_001203263.2, NM_001203264.2, NM_001203265.2 and 4 more transcripts); c.323C>T, p.Pro108Leu (NM_001367279.1); c.611C>T, p.Pro204Leu (NM_153461.4); short protein forms P108L, P204L, P133L.
Identifiers: ClinVar variation 4736490 (VCV004736490.1).
Genomic context (GRCh38, chr3:9,918,542, plus strand): 5'-CTGCCCTGTTGCCCACAGCCTCTCTCCAGGCCCAAGTCGTGCTCTCCTTCCAGGCCTACC[C>T]TACTGCCCGCTGCGTCCTGCTGGAGGTGCAAGTGCCTGCTGCCCTTGTGCAGTTTGGTCA-3'
Protein context (NP_703190.2, residues 123-143): AQVVLSFQAY[Pro133Leu]TARCVLLEVQ

ClinVar aggregate classification (germline): Uncertain significance (1 of 4 stars; one submission).

Conditions:
Candidiasis, familial, 9 (CANDF9). Identifiers: Orphanet 1334, MedGen C4225324, MONDO:0014642, OMIM 616445.

Submission:

Labcorp Genetics (formerly Invitae), Labcorp
Classification: Uncertain significance for Candidiasis, familial, 9. Last evaluated: 2026-01-30. Review status: criteria provided, single submitter. Criteria: Invitae Variant Classification Sherloc (09022015). Collection method: clinical testing. Allele origin: germline.
Comment: This sequence change replaces proline, which is neutral and non-polar, with leucine, which is neutral and non-polar, at codon 204 of the IL17RC protein (p.Pro204Leu). This variant is not present in population databases (gnomAD no frequency). This variant has not been reported in the literature in individuals affected with IL17RC-related conditions. An algorithm developed to predict the effect of missense changes on protein structure and function outputs the following: PolyPhen-2: "Benign". The leucine amino acid residue is found in multiple mammalian species, which suggests that this missense change does not adversely affect protein function. In summary, the available evidence is currently insufficient to determine the role of this variant in disease. Therefore, it has been classified as a Variant of Uncertain Significance.